The following is an entry in ClinVar:

ClinVar aggregate classification (germline): Uncertain significance (1 of 4 stars; one submission).

Allele frequency attached by ClinVar (database versions not stated): gnomAD exomes below 0.00001; gnomAD 0.00001.
gnomAD v4.1: 2 of 1,614,134 alleles (0.00012%); highest among the groups gnomAD compares: African/African-American, 0.0027%; no homozygotes.

Submission:

Labcorp Genetics (formerly Invitae), Labcorp
Classification: Uncertain significance. Last evaluated: 2023-12-25. Review status: criteria provided, single submitter. Criteria: Invitae Variant Classification Sherloc (09022015). Collection method: clinical testing. Allele origin: germline.
Comment: This sequence change replaces glutamic acid, which is acidic and polar, with glutamine, which is neutral and polar, at codon 336 of the TNFRSF11A protein (p.Glu336Gln). This variant is present in population databases (no rsID available, gnomAD 0.007%). This variant has not been reported in the literature in individuals affected with TNFRSF11A-related conditions. Algorithms developed to predict the effect of missense changes on protein structure and function output the following: SIFT: "Not Available"; PolyPhen-2: "Benign"; Align-GVGD: "Not Available". The glutamine amino acid residue is found in multiple mammalian species, which suggests that this missense change does not adversely affect protein function. In summary, the available evidence is currently insufficient to determine the role of this variant in disease. Therefore, it has been classified as a Variant of Uncertain Significance.

NM_003839.4(TNFRSF11A):c.1006G>C (p.Glu336Gln)

Gene: TNFRSF11A (TNF receptor superfamily member 11a; plus strand). Cytogenetic location: 18q21.33.
Variant type: single nucleotide variant.
Coding change: c.1006G>C on transcript NM_003839.4 (MANE Select); coding-DNA position 1006, G replaced by C.
Protein change: p.Glu336Gln; replaces glutamic acid 336 with glutamine.
Molecular consequence: missense variant. On other transcripts: intron variant (3).
Genome position (GRCh38, 1-based): chr18:62,368,923, G>C. VCF-style: chr18-62368923-G-C. GRCh37 (hg19) VCF-style: chr18-60036156-G-C.
Other names: c.964G>C, p.Glu322Gln (NM_001278268.2); c.783+2163G>C (NM_001270949.2); c.730+7130G>C (NM_001270950.2); c.616+8874G>C (NM_001270951.2); short protein forms E322Q, E336Q.
Identifiers: ClinVar variation 2904830 (VCV002904830.3), dbSNP rs1454865086, ClinGen allele CA402616594.